The following is an entry in ClinVar:

NM_000135.4(FANCA):c.284-940_339del

Gene: FANCA (FA complementation group A; minus strand). Cytogenetic location: 16q24.3.
Variant type: Deletion.
Coding change: c.284-940_339del on transcript NM_000135.4 (MANE Select); 940 bases into the intron before coding-DNA position 284 through coding-DNA position 339, 996 bases deleted.
Molecular consequence: splice acceptor variant.
Genome position (GRCh38, 1-based): chr16:89,811,016-89,812,011, 996 bases deleted. GRCh37 (hg19): chr16:89,877,428-89,878,423.
Other names: c.284-940_339del (NM_001286167.3, NM_001351830.2, NM_001018112.3).
Identifiers: ClinVar variation 2694436 (VCV002694436.3), dbSNP rs2544364915, ClinGen allele CA2697556034.

ClinVar aggregate classification (germline): Likely pathogenic (1 of 4 stars; one submission).

Conditions:
Fanconi anemia (FA). Also called: Fanconi's anemia. Identifiers: Orphanet 84, MedGen C0015625, MeSH D005199, MONDO:0019391.

Submission:

Labcorp Genetics (formerly Invitae), Labcorp
Classification: Likely pathogenic for Fanconi anemia. Last evaluated: 2023-11-08. Review status: criteria provided, single submitter. Criteria: Invitae Variant Classification Sherloc (09022015). Collection method: clinical testing. Allele origin: germline.
Comment: This variant results in the deletion of part of exon 4 (c.284-940_339del) of the FANCA gene. It is expected to disrupt RNA splicing. Variants that disrupt the donor or acceptor splice site typically lead to a loss of protein function (PMID: 16199547), and loss-of-function variants in FANCA are known to be pathogenic (PMID: 19367192). This variant is not present in population databases (gnomAD no frequency). This variant has not been reported in the literature in individuals affected with FANCA-related conditions. In summary, the currently available evidence indicates that the variant is pathogenic, but additional data are needed to prove that conclusively. Therefore, this variant has been classified as Likely Pathogenic.

Literature cited by the submitters: PubMed 16199547; PubMed 19367192.